The following is an entry in ClinVar:

NM_001003841.3(SLC6A19):c.983G>A (p.Arg328His)

Gene: SLC6A19 (solute carrier family 6 member 19; plus strand). Cytogenetic location: 5p15.33.
Variant type: single nucleotide variant.
Coding change: c.983G>A on transcript NM_001003841.3 (MANE Select); coding-DNA position 983, G replaced by A.
Protein change: p.Arg328His; replaces arginine 328 with histidine.
Molecular consequence: missense variant.
Genome position (GRCh38, 1-based): chr5:1,216,653, G>A. VCF-style: chr5-1216653-G-A. GRCh37 (hg19) VCF-style: chr5-1216768-G-A.
Other names: short protein forms R328H.
Identifiers: ClinVar variation 1515653 (VCV001515653.6), dbSNP rs552867213, ClinGen allele CA3182973.

ClinVar aggregate classification (germline): Uncertain significance (1 of 4 stars; one submission).

Allele frequency attached by ClinVar (database versions not stated): gnomAD 0.00005; TOPMed 0.00009; gnomAD exomes 0.00010 and 0.00011; ExAC 0.00011; 1000 Genomes Project 0.00020; 1000 Genomes Project 30x 0.00031.
gnomAD v4.1: 158 of 1,613,910 alleles (0.0098%); highest among the groups gnomAD compares: Non-Finnish European, 0.01%; no homozygotes.

Submission:

Labcorp Genetics (formerly Invitae), Labcorp
Classification: Uncertain significance. Last evaluated: 2023-12-11. Review status: criteria provided, single submitter. Criteria: Invitae Variant Classification Sherloc (09022015). Collection method: clinical testing. Allele origin: germline.
Comment: This sequence change replaces arginine, which is basic and polar, with histidine, which is basic and polar, at codon 328 of the SLC6A19 protein (p.Arg328His). This variant is present in population databases (rs552867213, gnomAD 0.04%). This variant has not been reported in the literature in individuals affected with SLC6A19-related conditions. ClinVar contains an entry for this variant (Variation ID: 1515653). Advanced modeling of protein sequence and biophysical properties (such as structural, functional, and spatial information, amino acid conservation, physicochemical variation, residue mobility, and thermodynamic stability) performed at Invitae indicates that this missense variant is expected to disrupt SLC6A19 protein function with a positive predictive value of 80%. In summary, the available evidence is currently insufficient to determine the role of this variant in disease. Therefore, it has been classified as a Variant of Uncertain Significance.